The following is an entry in ClinVar:

ClinVar aggregate classification (germline): Uncertain significance (1 of 4 stars; one submission).

Allele frequency attached by ClinVar (database versions not stated): 1000 Genomes Project 30x 0.00016; 1000 Genomes Project 0.00020.
gnomAD v4.1: 12 of 1,613,420 alleles (0.00074%); highest among the groups gnomAD compares: South Asian, 0.0099%; no homozygotes.

Submission:

Labcorp Genetics (formerly Invitae), Labcorp
Classification: Uncertain significance. Last evaluated: 2023-08-04. Review status: criteria provided, single submitter. Criteria: Invitae Variant Classification Sherloc (09022015). Collection method: clinical testing. Allele origin: germline.
Comment: In summary, the available evidence is currently insufficient to determine the role of this variant in disease. Therefore, it has been classified as a Variant of Uncertain Significance. Algorithms developed to predict the effect of missense changes on protein structure and function output the following: SIFT: "Not Available"; PolyPhen-2: "Benign"; Align-GVGD: "Not Available". The glutamic acid amino acid residue is found in multiple mammalian species, which suggests that this missense change does not adversely affect protein function. ClinVar contains an entry for this variant (Variation ID: 1422918). This variant has not been reported in the literature in individuals affected with LAT-related conditions. This variant is present in population databases (rs535156699, gnomAD 0.02%). This sequence change replaces aspartic acid, which is acidic and polar, with glutamic acid, which is acidic and polar, at codon 125 of the LAT protein (p.Asp125Glu).

NM_001014987.2(LAT):c.375C>G (p.Asp125Glu)

Gene: LAT (linker for activation of T cells; plus strand). Cytogenetic location: 16p11.2.
Variant type: single nucleotide variant.
Coding change: c.375C>G on transcript NM_001014987.2 (MANE Select); coding-DNA position 375, C replaced by G.
Protein change: p.Asp125Glu; replaces aspartic acid 125 with glutamic acid.
Molecular consequence: missense variant.
Genome position (GRCh38, 1-based): chr16:28,986,691, C>G. VCF-style: chr16-28986691-C-G. GRCh37 (hg19) VCF-style: chr16-28998012-C-G.
Other names: c.372C>G, p.Asp124Glu (NM_001014988.2); c.483C>G, p.Asp161Glu (NM_001014989.2); c.462C>G, p.Asp154Glu (NM_014387.4); short protein forms D154E, D161E, D124E, D125E.
Identifiers: ClinVar variation 1422918 (VCV001422918.8), dbSNP rs535156699, ClinGen allele CA7989979.
Genomic context (GRCh38, chr16:28,986,691, plus strand): 5'-GCTGACCCCTGTGTCGTTACCCCCAGAACCAGCCTGTGAGGATGCGGATGAGGATGAGGA[C>G]GACTATCACAACCCAGGCTACCTGTGAGTGGCCAGGTGGGAGGTGGGAGGTGAGGGCTGA-3'
Protein context (NP_001014987.1, residues 115-135): PACEDADEDE[Asp125Glu]DYHNPGYLVV